The following is an entry in ClinVar:

NM_001278116.2(L1CAM):c.754del (p.Leu252fs)

Gene: L1CAM (L1 cell adhesion molecule; minus strand). Cytogenetic location: Xq28.
Variant type: Deletion.
Coding change: c.754del on transcript NM_001278116.2 (MANE Select); coding-DNA position 754, one base deleted (C; older notation c.754delC).
Protein change: p.Leu252fs; shifts the reading frame from leucine 252.
Molecular consequence: frameshift variant.
Genome position (GRCh38, 1-based): chrX:153,870,440, G deleted on the plus strand (C on the coding strand, the reverse complement: L1CAM is on the minus strand); the first of 2 consecutive G bases (chrX:153,870,440-153,870,441); deleting either gives the same sequence. VCF-style (leftmost placement, unchanged base first): chrX-153870439-AG-A. GRCh37 (hg19) VCF-style: chrX-153135894-AG-A.
Other names: c.739del, p.Leu247fs (NM_001143963.2); c.754del, p.Leu252fs (NM_024003.3, NM_000425.5); short protein forms L247fs, L252fs.
Identifiers: ClinVar variation 3050537 (VCV003050537.3), dbSNP rs2521020218, ClinGen allele CA2740090189.

ClinVar aggregate classification (germline): Pathogenic. Review status: criteria provided, single submitter (1 of 4 stars). 2 submissions from 2 submitters: Pathogenic (1). 1 of the submissions does not count toward it. Last evaluated 2025-04-29.

Conditions:
L1CAM-related disorder. Also called: L1CAM-related condition.
L1 syndrome. Identifiers: Orphanet 275543, MedGen C5779710, MONDO:0017140.

Submissions (2):

Myriad Genetics, Inc.
Classification: Pathogenic for L1 syndrome. Last evaluated: 2025-04-29. Review status: criteria provided, single submitter. Criteria: Myriad Autosomal Dominant, Autosomal Recessive and X-Linked Classification Criteria (2023). Collection method: clinical testing. Allele origin: unknown.
Comment: NM_001278116.1(L1CAM):c.754delC(L252Wfs*49) is expected to be pathogenic in the context of L1 syndrome. This variant is predicted to lead to an abnormal or absent protein product due to the creation of a premature termination codon in L1CAM, a gene where loss-of-function variants are known to be pathogenic. Please note: this variant was assessed in the context of healthy population screening.

PreventionGenetics, part of Exact Sciences
Classification: Likely pathogenic for L1CAM-related condition. Last evaluated: 2024-09-24. Review status: no assertion criteria provided. Collection method: clinical testing. Allele origin: germline. Not counted in ClinVar's aggregate classification.
Comment: The L1CAM c.754delC variant is predicted to result in a frameshift and premature protein termination (p.Leu252Trpfs*49). To our knowledge, this variant has not been reported in the literature or in a large population database, indicating this variant is rare. Frameshift variants in L1CAM are expected to be pathogenic. This variant is interpreted as likely pathogenic.